The following is an entry in ClinVar:

ClinVar aggregate classification (germline): Uncertain significance (1 of 4 stars; one submission).

Allele frequency attached by ClinVar (database versions not stated): TOPMed 0.00001.

Submission:

Labcorp Genetics (formerly Invitae), Labcorp
Classification: Uncertain significance. Last evaluated: 2024-07-04. Review status: criteria provided, single submitter. Criteria: Invitae Variant Classification Sherloc (09022015). Collection method: clinical testing. Allele origin: germline.
Comment: This sequence change replaces arginine, which is basic and polar, with glutamine, which is neutral and polar, at codon 140 of the ADGRA3 protein (p.Arg140Gln). This variant is present in population databases (no rsID available, gnomAD 0.008%). This variant has not been reported in the literature in individuals affected with ADGRA3-related conditions. ClinVar contains an entry for this variant (Variation ID: 1713995). An algorithm developed to predict the effect of missense changes on protein structure and function (PolyPhen-2) suggests that this variant is likely to be tolerated. In summary, the available evidence is currently insufficient to determine the role of this variant in disease. Therefore, it has been classified as a Variant of Uncertain Significance.

NM_145290.4(ADGRA3):c.419G>A (p.Arg140Gln)

Gene: ADGRA3 (adhesion G protein-coupled receptor A3; minus strand). Cytogenetic location: 4p15.2.
Variant type: single nucleotide variant.
Coding change: c.419G>A on transcript NM_145290.4 (MANE Select); coding-DNA position 419, G replaced by A.
Protein change: p.Arg140Gln; replaces arginine 140 with glutamine.
Molecular consequence: missense variant.
Genome position (GRCh38, 1-based): chr4:22,454,920, C>T on the plus strand (G>A on the coding strand, the complement: ADGRA3 is on the minus strand). VCF-style: chr4-22454920-C-T. GRCh37 (hg19) VCF-style: chr4-22456543-C-T.
Other names: short protein forms R140Q.
Identifiers: ClinVar variation 1713995 (VCV001713995.5), dbSNP rs1165791849, ClinGen allele CA356480055.